The following is an entry in ClinVar:

ClinVar aggregate classification (germline): Uncertain significance (1 of 4 stars; one submission).

Conditions:
Pontocerebellar hypoplasia type 6 (PCH6). Identifiers: Orphanet 166073, MedGen C1969084, MONDO:0012683, OMIM 611523.

Submission:

Neuberg Centre For Genomic Medicine, NCGM
Classification: Uncertain significance for Pontocerebellar hypoplasia type 6. Review status: criteria provided, single submitter. Criteria: ACMG Guidelines, 2015. Collection method: clinical testing. Allele origin: germline. Inheritance: Autosomal recessive inheritance. Affected: yes.
Comment: The observed missense c.1152G>T (p.Lys384Asn) variant in RARS2 gene has not been reported previously as a pathogenic variant nor as a benign variant, to our knowledge. The p.Lys384Asn variant is absent in gnomAD Exomes. This variant has not been submitted to the ClinVar database. The amino acid change p.Lys384Asn in RARS2 is predicted as conserved by GERP++ and PhyloP across 100 vertebrates. The amino acid Lys at position 384 is changed to a Asn changing protein sequence and it might alter its composition and physico-chemical properties. For these reasons, this variant has been classified as a Variant of Uncertain Significance (VUS).

NM_020320.5(RARS2):c.1152G>T (p.Lys384Asn)

Gene: RARS2 (arginyl-tRNA synthetase 2, mitochondrial; minus strand). Cytogenetic location: 6q15.
Variant type: single nucleotide variant.
Coding change: c.1152G>T on transcript NM_020320.5 (MANE Select); coding-DNA position 1152, G replaced by T.
Protein change: p.Lys384Asn; replaces lysine 384 with asparagine.
Molecular consequence: missense variant. On other transcripts: non-coding transcript variant (23).
Genome position (GRCh38, 1-based): chr6:87,519,668, C>A on the plus strand (G>T on the coding strand, the complement: RARS2 is on the minus strand). VCF-style: chr6-87519668-C-A. GRCh37 (hg19) VCF-style: chr6-88229386-C-A.
Other names: c.627G>T, p.Lys209Asn (NM_001318785.2, NM_001350506.2, NM_001350507.2 and 4 more transcripts); c.1152G>T, p.Lys384Asn (NM_001350505.2); short protein forms K209N, K384N.
Identifiers: ClinVar variation 3242033 (VCV003242033.1), dbSNP rs1582278290.